The following is an entry in ClinVar:

NM_001211.6(BUB1B):c.2068G>A (p.Ala690Thr)

Gene: BUB1B (BUB1 mitotic checkpoint serine/threonine kinase B; plus strand). Cytogenetic location: 15q15.1.
Variant type: single nucleotide variant.
Coding change: c.2068G>A on transcript NM_001211.6 (MANE Select); coding-DNA position 2068, G replaced by A.
Protein change: p.Ala690Thr; replaces alanine 690 with threonine.
Molecular consequence: missense variant.
Genome position (GRCh38, 1-based): chr15:40,208,695, G>A. VCF-style: chr15-40208695-G-A. GRCh37 (hg19) VCF-style: chr15-40500896-G-A.
Other names: short protein forms A690T.
Identifiers: ClinVar variation 3483185 (VCV003483185.1).
Genomic context (GRCh38, chr15:40,208,695, plus strand): 5'-AGCCCAATTATTGAAGACAGTCGTGAAGCCACACACTCCTCTGGCTTCTCTGGTTCTTCT[G>A]CCTCGGTTGCAAGCACCTCCTCCATCAAATGTCTTCAAATTCCTGAGAAACTAGAACTTA-3'
Protein context (NP_001202.5, residues 680-700): THSSGFSGSS[Ala690Thr]SVASTSSIKC

ClinVar aggregate classification (germline): Uncertain significance (1 of 4 stars; one submission).

Conditions:
Inborn genetic diseases. Identifiers: MedGen C0950123, MeSH D030342.

Submission:

Ambry Genetics
Classification: Uncertain significance for Inborn genetic diseases. Last evaluated: 2024-09-01. Review status: criteria provided, single submitter. Criteria: Ambry Variant Classification Scheme 2023. Collection method: clinical testing. Allele origin: germline.
Comment: The p.A690T variant (also known as c.2068G>A), located in coding exon 16 of the BUB1B gene, results from a G to A substitution at nucleotide position 2068. The alanine at codon 690 is replaced by threonine, an amino acid with similar properties. This amino acid position is conserved. In addition, this alteration is predicted to be tolerated by in silico analysis. Based on the available evidence, the clinical significance of this variant remains unclear.